The following is an entry in ClinVar:

NM_014629.4(ARHGEF10):c.3519C>T (p.Thr1173=)

Gene: ARHGEF10 (Rho guanine nucleotide exchange factor 10; plus strand). Cytogenetic location: 8p23.3.
Variant type: single nucleotide variant.
Coding change: c.3519C>T on transcript NM_014629.4 (MANE Select); coding-DNA position 3519, C replaced by T.
Protein change: p.Thr1173=; no amino-acid change (threonine 1173 retained).
Molecular consequence: synonymous variant.
Genome position (GRCh38, 1-based): chr8:1,952,826, C>T. VCF-style: chr8-1952826-C-T. GRCh37 (hg19) VCF-style: chr8-1900992-C-T.
Other names: c.3405C>T, p.Thr1135= (NM_001308152.2); c.3519C>T, p.Thr1173= (NM_001308153.3).
Identifiers: ClinVar variation 716644 (VCV000716644.12), dbSNP rs61731551, ClinGen allele CA4601398.

ClinVar aggregate classification (germline): Benign/Likely benign. Review status: criteria provided, multiple submitters, no conflicts (2 of 4 stars). 4 submissions from 4 submitters: Benign (3); Likely benign (1). Last evaluated 2026-02-04.

Conditions:
ARHGEF10-related disorder. Also called: ARHGEF10-related condition.

Allele frequency attached by ClinVar (database versions not stated): gnomAD exomes 0.00048 and 0.00119; ExAC 0.00144; 1000 Genomes Project 0.00280; 1000 Genomes Project 30x 0.00297; gnomAD 0.00487 and 0.00528; TOPMed 0.00501; ESP Exome Variant Server 0.00561.
gnomAD v4.1: 1,455 of 1,613,840 alleles (0.09%); highest among the groups gnomAD compares: African/African-American, 1.7%; 11 homozygotes.

Submissions (4):

PreventionGenetics, part of Exact Sciences
Classification: Benign for ARHGEF10-related condition. Last evaluated: 2026-02-04. Review status: criteria provided, single submitter. Criteria: ACMG Guidelines, 2015. Collection method: clinical testing. Allele origin: germline.
Comment: This variant is classified as benign based on ACMG/AMP sequence variant interpretation guidelines (Richards et al. 2015 PMID: 25741868, with internal and published modifications).

Labcorp Genetics (formerly Invitae), Labcorp
Classification: Benign. Last evaluated: 2025-10-21. Review status: criteria provided, single submitter. Criteria: Invitae Variant Classification Sherloc (09022015). Collection method: clinical testing. Allele origin: germline.

Blueprint Genetics
Classification: Likely benign. Last evaluated: 2024-11-20. Review status: criteria provided, single submitter. Criteria: ACMG Guidelines, 2015. Collection method: clinical testing. Allele origin: germline.

Breakthrough Genomics
Classification: Benign. Review status: criteria provided, single submitter. Criteria: ACMG Guidelines, 2015. Collection method: not provided. Allele origin: germline. Inheritance: Autosomal dominant inheritance. Affected: yes.